The following is an entry in ClinVar:

NM_002633.3(PGM1):c.1358C>G (p.Ser453Cys)

Gene: PGM1 (phosphoglucomutase 1; plus strand). Cytogenetic location: 1p31.3.
Variant type: single nucleotide variant.
Coding change: c.1358C>G on transcript NM_002633.3 (MANE Select); coding-DNA position 1358, C replaced by G.
Protein change: p.Ser453Cys; replaces serine 453 with cysteine.
Molecular consequence: missense variant.
Genome position (GRCh38, 1-based): chr1:63,651,746, C>G. VCF-style: chr1-63651746-C-G. GRCh37 (hg19) VCF-style: chr1-64117417-C-G.
Other names: c.1412C>G, p.Ser471Cys (NM_001172818.1); c.767C>G, p.Ser256Cys (NM_001172819.2); short protein forms S471C, S453C, S256C.
Identifiers: ClinVar variation 1959465 (VCV001959465.5), dbSNP rs1286125356, ClinGen allele CA340638681.

ClinVar aggregate classification (germline): Uncertain significance (1 of 4 stars; one submission).

Conditions:
PGM1-congenital disorder of glycosylation. Also called: PHOSPHOGLUCOMUTASE 1 DEFICIENCY; PGM1 DEFICIENCY; GLYCOGEN STORAGE DISEASE XIV; GSD XIV; Congenital disorder of glycosylation type 1t; CDG It. Identifiers: Orphanet 319646, MedGen C2752015, MONDO:0013968, OMIM 614921.

Submission:

Labcorp Genetics (formerly Invitae), Labcorp
Classification: Uncertain significance for PGM1-congenital disorder of glycosylation. Last evaluated: 2022-05-19. Review status: criteria provided, single submitter. Criteria: Invitae Variant Classification Sherloc (09022015). Collection method: clinical testing. Allele origin: germline.
Comment: In summary, the available evidence is currently insufficient to determine the role of this variant in disease. Therefore, it has been classified as a Variant of Uncertain Significance. Algorithms developed to predict the effect of missense changes on protein structure and function are either unavailable or do not agree on the potential impact of this missense change (SIFT: "Tolerated"; PolyPhen-2: "Possibly Damaging"; Align-GVGD: "Class C15"). This sequence change replaces serine, which is neutral and polar, with cysteine, which is neutral and slightly polar, at codon 453 of the PGM1 protein (p.Ser453Cys). This variant is not present in population databases (gnomAD no frequency). This variant has not been reported in the literature in individuals affected with PGM1-related conditions.